The following is an entry in ClinVar:

ClinVar aggregate classification (germline): Pathogenic/Likely pathogenic. Review status: criteria provided, multiple submitters, no conflicts (2 of 4 stars). 3 submissions from 3 submitters: Pathogenic (1); Likely pathogenic (1). 1 of the submissions does not count toward it. Last evaluated 2021-10-13.

Conditions:
PCDH19-related disorder. Also called: PCDH19-related condition.
Developmental and epileptic encephalopathy, 9 (DEE9). Also called: JUBERG-HELLMAN SYNDROME; EPILEPSY, FEMALE-RESTRICTED, WITH MENTAL RETARDATION; Early infantile epileptic encephalopathy 9; PCDH19-Related X-Linked Female-Limited Epilepsy with Mental Retardation. Identifiers: Orphanet 101039, Orphanet 2076, MedGen C1848137, MONDO:0010246, OMIM 300088. Disease mechanism: loss of function.

Submissions (3):

Blueprint Genetics
Classification: Likely pathogenic for PCDH19-related disorders. Last evaluated: 2021-10-13. Review status: criteria provided, single submitter. Criteria: ACMG Guidelines, 2015. Collection method: clinical testing. Allele origin: germline. Affected: yes. Observed: 1 variant allele.

Labcorp Genetics (formerly Invitae), Labcorp
Classification: Pathogenic for Developmental and epileptic encephalopathy, 9. Last evaluated: 2021-03-28. Review status: criteria provided, single submitter. Criteria: Invitae Variant Classification Sherloc (09022015). Collection method: clinical testing. Allele origin: germline.
Comment: For these reasons, this variant has been classified as Pathogenic. This sequence change replaces threonine with isoleucine at codon 404 of the PCDH19 protein (p.Thr404Ile). The threonine residue is highly conserved and there is a moderate physicochemical difference between threonine and isoleucine. This variant is not present in population databases (ExAC no frequency). This variant has been observed in individual(s) with PCDH19-related conditions (PMID: 20713952). In at least one individual the variant was observed to be de novo. Advanced modeling of protein sequence and biophysical properties (such as structural, functional, and spatial information, amino acid conservation, physicochemical variation, residue mobility, and thermodynamic stability) performed at Invitae indicates that this missense variant is expected to disrupt PCDH19 protein function.

Department of Developmental Neurology, Medical University of Gdansk
No classification provided. Condition: Developmental and epileptic encephalopathy, 9. Review status: no classification provided. Collection method: phenotyping only. Allele origin: somatic. Inheritance: X-linked inheritance. Affected: yes. Observed: 1 hemizygote. Not counted in ClinVar's aggregate classification.

Literature cited by the submitters: PubMed 20713952 (cited by Labcorp Genetics (formerly Invitae), Labcorp).

NM_001184880.2(PCDH19):c.1211C>T (p.Thr404Ile)

Gene: PCDH19 (protocadherin 19; minus strand). Cytogenetic location: Xq22.1.
Variant type: single nucleotide variant.
Coding change: c.1211C>T on transcript NM_001184880.2 (MANE Select); coding-DNA position 1211, C replaced by T.
Protein change: p.Thr404Ile; replaces threonine 404 with isoleucine.
Molecular consequence: missense variant.
Genome position (GRCh38, 1-based): chrX:100,407,387, G>A on the plus strand (C>T on the coding strand, the complement: PCDH19 is on the minus strand). VCF-style: chrX-100407387-G-A. GRCh37 (hg19) VCF-style: chrX-99662385-G-A.
Other names: c.1211C>T, p.Thr404Ile (NM_001105243.2, NM_020766.3); short protein forms T404I.
Identifiers: ClinVar variation 1458033 (VCV001458033.11), dbSNP rs2147539327, ClinGen allele CA414003656.